The following is an entry in ClinVar:

ClinVar aggregate classification (germline): Uncertain significance. Review status: criteria provided, multiple submitters, no conflicts (2 of 4 stars). 7 submissions from 7 submitters: Uncertain significance (5). 2 of the submissions do not count toward it. Last evaluated 2025-12-15.

Conditions:
Inborn genetic diseases. Identifiers: MedGen C0950123, MeSH D030342.
Renal tubular acidosis with progressive nerve deafness. Also called: Distal Renal Tubular Acidosis with Progressive Sensorineural Deafness; RENAL TUBULAR ACIDOSIS, AUTOSOMAL RECESSIVE, WITH PROGRESSIVE NERVE DEAFNESS; RTA WITH PROGRESSIVE NERVE DEAFNESS; renal tubular acidosis, distal, 2, with progressive sensorineural hearing loss. Identifiers: MedGen C0403554, MONDO:0009968, OMIM 267300.

Allele frequency attached by ClinVar (database versions not stated): gnomAD 0.00018 and 0.00019; TOPMed 0.00020; ExAC 0.00038.
gnomAD v4.1: 633 of 1,603,788 alleles (0.039%); highest among the groups gnomAD compares: Non-Finnish European, 0.049%; no homozygotes.

Submissions (7):

GeneDx
Classification: Uncertain significance. Last evaluated: 2025-12-15. Review status: criteria provided, single submitter. Criteria: GeneDx Variant Classification Process June 2021. Collection method: clinical testing. Allele origin: germline. Affected: yes.
Comment: In silico analysis indicates that this missense variant does not alter protein structure/function; Has not been previously published as pathogenic or benign to our knowledge

Labcorp Genetics (formerly Invitae), Labcorp
Classification: Uncertain significance. Last evaluated: 2024-11-05. Review status: criteria provided, single submitter. Criteria: Invitae Variant Classification Sherloc (09022015). Collection method: clinical testing. Allele origin: germline.
Comment: This sequence change replaces histidine, which is basic and polar, with glutamine, which is neutral and polar, at codon 217 of the ATP6V1B1 protein (p.His217Gln). This variant is present in population databases (rs145196117, gnomAD 0.03%). This variant has not been reported in the literature in individuals affected with ATP6V1B1-related conditions. ClinVar contains an entry for this variant (Variation ID: 228450). Invitae Evidence Modeling of protein sequence and biophysical properties (such as structural, functional, and spatial information, amino acid conservation, physicochemical variation, residue mobility, and thermodynamic stability) indicates that this missense variant is not expected to disrupt ATP6V1B1 protein function with a negative predictive value of 95%. In summary, the available evidence is currently insufficient to determine the role of this variant in disease. Therefore, it has been classified as a Variant of Uncertain Significance.

Fulgent Genetics
Classification: Uncertain significance for Renal tubular acidosis with progressive nerve deafness. Last evaluated: 2024-06-11. Review status: criteria provided, single submitter. Criteria: ACMG Guidelines, 2015. Collection method: clinical testing. Allele origin: germline.

Ambry Genetics
Classification: Uncertain significance for Inborn genetic diseases. Last evaluated: 2022-12-02. Review status: criteria provided, single submitter. Criteria: Ambry Variant Classification Scheme 2023. Collection method: clinical testing. Allele origin: germline.

Laboratory for Molecular Medicine, Mass General Brigham Personalized Medicine
Classification: Uncertain significance. Last evaluated: 2017-06-15. Review status: criteria provided, single submitter. Criteria: LMM Criteria. Collection method: clinical testing. Allele origin: germline. Observed: 2 variant alleles.
Comment: Variant classified as Uncertain Significance - Favor Benign. This variant has been ide ntified in 40/116562 European chromosomes by the Genome Aggregation Database (gn omAD; dbSNP rs145196117); however, this freque ncy is not high enough to rule out a pathogenic role. Computational prediction tools and conservation analyses suggest that the p.His217Gln variant may not imp act the protein, though this information is not predictive enough to rule out pa thogenicity. In summary, while the clinical significance of the p.His217Gln vari ant is uncertain, these data suggest that it is more likely to be benign.

Natera, Inc.
Classification: Uncertain significance for Renal tubular acidosis with progressive nerve deafness. Last evaluated: 2020-04-24. Review status: no assertion criteria provided. Collection method: clinical testing. Allele origin: germline. Not counted in ClinVar's aggregate classification.

Counsyl
Classification: Uncertain significance for Renal tubular acidosis with progressive nerve deafness. Last evaluated: 2017-06-14. Review status: no assertion criteria provided. Collection method: clinical testing. Allele origin: unknown. Not counted in ClinVar's aggregate classification.

NM_001692.4(ATP6V1B1):c.651T>G (p.His217Gln)

Gene: ATP6V1B1 (ATPase H+ transporting V1 subunit B1; plus strand). Cytogenetic location: 2p13.3.
Variant type: single nucleotide variant.
Coding change: c.651T>G on transcript NM_001692.4 (MANE Select); coding-DNA position 651, T replaced by G.
Protein change: p.His217Gln; replaces histidine 217 with glutamine.
Molecular consequence: missense variant.
Genome position (GRCh38, 1-based): chr2:70,960,986, T>G. VCF-style: chr2-70960986-T-G. GRCh37 (hg19) VCF-style: chr2-71188116-T-G.
Other names: short protein forms H217Q.
Identifiers: ClinVar variation 228450 (VCV000228450.16), dbSNP rs145196117, ClinGen allele CA1701115.